The following is an entry in ClinVar:

ClinVar aggregate classification (germline): Uncertain significance (1 of 4 stars; one submission).

Conditions:
PLXNA2-related disorder. Also called: PLXNA2-related condition.

Submission:

PreventionGenetics, part of Exact Sciences
Classification: Uncertain significance for PLXNA2-related condition. Last evaluated: 2025-02-07. Review status: criteria provided, single submitter. Criteria: ACMG Guidelines, 2015. Collection method: clinical testing. Allele origin: germline.
Comment: The PLXNA2 c.808T>C variant is predicted to result in the amino acid substitution p.Ser270Pro. To our knowledge, this variant has not been reported in the literature or in a large population database (gnomad), indicating this variant is rare. At this time, the clinical significance of this variant is uncertain due to the absence of conclusive functional and genetic evidence.

NM_025179.4(PLXNA2):c.808T>C (p.Ser270Pro)

Gene: PLXNA2 (plexin A2; minus strand). Cytogenetic location: 1q32.2.
Variant type: single nucleotide variant.
Coding change: c.808T>C on transcript NM_025179.4 (MANE Select); coding-DNA position 808, T replaced by C.
Protein change: p.Ser270Pro; replaces serine 270 with proline.
Molecular consequence: missense variant.
Genome position (GRCh38, 1-based): chr1:208,217,115, A>G on the plus strand (T>C on the coding strand, the complement: PLXNA2 is on the minus strand). VCF-style: chr1-208217115-A-G. GRCh37 (hg19) VCF-style: chr1-208390460-A-G.
Other names: short protein forms S270P.
Identifiers: ClinVar variation 3347583 (VCV003347583.2).